The following is an entry in ClinVar:

NM_004850.5(ROCK2):c.435C>T (p.Ala145=)

Gene: ROCK2 (Rho associated coiled-coil containing protein kinase 2; minus strand). Cytogenetic location: 2p25.1.
Variant type: single nucleotide variant.
Coding change: c.435C>T on transcript NM_004850.5 (MANE Select); coding-DNA position 435, C replaced by T.
Protein change: p.Ala145=; no amino-acid change (alanine 145 retained).
Molecular consequence: synonymous variant.
Genome position (GRCh38, 1-based): chr2:11,249,688, G>A on the plus strand (C>T on the coding strand, the complement: ROCK2 is on the minus strand). VCF-style: chr2-11249688-G-A. GRCh37 (hg19) VCF-style: chr2-11389814-G-A.
Other names: c.177C>T, p.Ala59= (NM_001321643.2).
Identifiers: ClinVar variation 3039798 (VCV003039798.2), dbSNP rs2230773, ClinGen allele CA1530606.

ClinVar aggregate classification (germline): Benign (0 of 4 stars; one submission).

Conditions:
ROCK2-related disorder. Also called: ROCK2-related condition.

Allele frequency attached by ClinVar (database versions not stated): ESP Exome Variant Server 0.00042; gnomAD exomes 0.00081; gnomAD 0.00171; TOPMed 0.00201; ExAC 0.00340; 1000 Genomes Project 30x 0.01109; 1000 Genomes Project 0.01198.
gnomAD v4.1: 1,471 of 1,572,262 alleles (0.094%); highest among the groups gnomAD compares: East Asian, 2.9%; 31 homozygotes.

Submission:

PreventionGenetics, part of Exact Sciences
Classification: Benign for ROCK2-related condition. Last evaluated: 2019-10-28. Review status: no assertion criteria provided. Collection method: clinical testing. Allele origin: germline.
Comment: This variant is classified as benign based on ACMG/AMP sequence variant interpretation guidelines (Richards et al. 2015 PMID: 25741868, with internal and published modifications).